The following is an entry in ClinVar:

NM_025074.7(FRAS1):c.2423A>G (p.Asp808Gly)

Gene: FRAS1 (Fraser extracellular matrix complex subunit 1; plus strand). Cytogenetic location: 4q21.21.
Variant type: single nucleotide variant.
Coding change: c.2423A>G on transcript NM_025074.7 (MANE Select); coding-DNA position 2423, A replaced by G.
Protein change: p.Asp808Gly; replaces aspartic acid 808 with glycine.
Molecular consequence: missense variant.
Genome position (GRCh38, 1-based): chr4:78,363,513, A>G. VCF-style: chr4-78363513-A-G. GRCh37 (hg19) VCF-style: chr4-79284667-A-G.
Other names: c.2423A>G, p.Asp808Gly (NM_001166133.2); c.2423A>G (NM_025074.6); short protein forms D808G.
Identifiers: ClinVar variation 1050656 (VCV001050656.4), dbSNP rs781560608, ClinGen allele CA2976652.

ClinVar aggregate classification (germline): Uncertain significance. Review status: criteria provided, multiple submitters, no conflicts (2 of 4 stars). 3 submissions from 3 submitters: Uncertain significance (2). 1 of the submissions does not count toward it. Last evaluated 2025-02-01.

Conditions:
Inborn genetic diseases. Identifiers: MedGen C0950123, MeSH D030342.
Fraser syndrome 1 (FRASRS1). Also called: CRYPTOPHTHALMOS WITH OTHER MALFORMATIONS. Identifiers: Orphanet 2052, MedGen C4551480, MONDO:0054737, OMIM 219000.

Allele frequency attached by ClinVar (database versions not stated): ExAC 0.00001; gnomAD 0.00001; gnomAD exomes 0.00001 and 0.00002; TOPMed 0.00001.
gnomAD v4.1: 31 of 1,607,142 alleles (0.0019%); highest among the groups gnomAD compares: Non-Finnish European, 0.0026%; no homozygotes.

Submissions (3):

Ambry Genetics
Classification: Uncertain significance for Inborn genetic diseases. Last evaluated: 2025-02-01. Review status: criteria provided, single submitter. Criteria: Ambry Variant Classification Scheme 2023. Collection method: clinical testing. Allele origin: germline.

Fulgent Genetics
Classification: Uncertain significance for Fraser syndrome 1. Last evaluated: 2024-06-10. Review status: criteria provided, single submitter. Criteria: ACMG Guidelines, 2015. Collection method: clinical testing. Allele origin: germline.

Department of Pathology and Laboratory Medicine, Sinai Health System
Classification: Uncertain significance. Review status: no assertion criteria provided. Collection method: clinical testing. Allele origin: unknown. Affected: yes. Study: The Canadian Open Genetics Repository (COGR). Not counted in ClinVar's aggregate classification.
Comment: The FRAS1 p.Asp808Gly variant was not identified in the literature nor was it identified in ClinVar or LOVD 3.0. The variant was identified in dbSNP (ID: rs781560608) and in control databases in 2 of 244688 chromosomes at a frequency of 0.000008 (Genome Aggregation Database Feb 27, 2017). The variant was observed in the European (non-Finnish) population in 2 of 110784 chromosomes (freq: 0.000018), but was not observed in the African, Latino, Ashkenazi Jewish, East Asian, European (Finnish), Other or South Asian populations. The p.Asp808 residue is conserved across mammals and other organisms, and four out of five computational analyses (PolyPhen-2, SIFT, AlignGVGD, BLOSUM, MutationTaster) suggest that the variant may impact the protein; however, this information is not predictive enough to assume pathogenicity. The p.Asp808Gly variant occurs in the first base of the exon. This position has been shown to be part of the splicing consensus sequence and variants involving this position sometimes affect splicing. However, in silico or computational prediction software programs (SpliceSiteFinder, MaxEntScan, NNSPLICE, GeneSplicer) do not predict a difference in splicing. In summary, based on the above information the clinical significance of this variant cannot be determined with certainty at this time. This variant is classified as a variant of uncertain significance.